The following is an entry in ClinVar:

ClinVar aggregate classification (germline): Pathogenic (1 of 4 stars; one submission).

Conditions:
Charcot-Marie-Tooth disease type 2. Also called: Charcot-Marie-Tooth type 2. Identifiers: Orphanet 64746, MedGen C0270914, MONDO:0018993.

Submission:

Labcorp Genetics (formerly Invitae), Labcorp
Classification: Pathogenic for Charcot-Marie-Tooth disease type 2. Last evaluated: 2023-06-30. Review status: criteria provided, single submitter. Criteria: Invitae Variant Classification Sherloc (09022015). Collection method: clinical testing. Allele origin: germline.
Comment: For these reasons, this variant has been classified as Pathogenic. ClinVar contains an entry for this variant (Variation ID: 1998679). This variant has not been reported in the literature in individuals affected with MFN2-related conditions. This variant is not present in population databases (gnomAD no frequency). This sequence change creates a premature translational stop signal (p.Gln591*) in the MFN2 gene. It is expected to result in an absent or disrupted protein product. Loss-of-function variants in MFN2 are known to be pathogenic (PMID: 16714318, 16835246, 21715711, 23781337, 26955893).

Literature cited by the submitters: PubMed 16714318; PubMed 16835246; PubMed 21715711; PubMed 23781337; PubMed 26955893.

NM_014874.4(MFN2):c.1771C>T (p.Gln591Ter)

Gene: MFN2 (mitofusin 2; plus strand). Cytogenetic location: 1p36.22.
Variant type: single nucleotide variant.
Coding change: c.1771C>T on transcript NM_014874.4 (MANE Select); coding-DNA position 1771, C replaced by T.
Protein change: p.Gln591Ter; replaces glutamine 591 with a stop codon.
Molecular consequence: nonsense.
Genome position (GRCh38, 1-based): chr1:12,006,592, C>T. VCF-style: chr1-12006592-C-T. GRCh37 (hg19) VCF-style: chr1-12066649-C-T.
Other names: c.1771C>T, p.Gln591Ter (NM_001127660.2); short protein forms Q591*.
Identifiers: ClinVar variation 1998679 (VCV001998679.4), dbSNP rs2523094644, ClinGen allele CA338448581.